The following is an entry in ClinVar:

NC_000004.11:g.(?_15980998)_(15982180_?)del

Gene: PROM1 (prominin 1; minus strand). Cytogenetic location: 4p15.32.
Variant type: Deletion.
Identifiers: ClinVar variation 3246744 (VCV003246744.1).

ClinVar aggregate classification (germline): Uncertain significance (1 of 4 stars; one submission).

Submission:

Labcorp Genetics (formerly Invitae), Labcorp
Classification: Uncertain significance. Last evaluated: 2023-10-22. Review status: criteria provided, single submitter. Criteria: Invitae Variant Classification Sherloc (09022015). Collection method: clinical testing. Allele origin: unknown.
Comment: This variant is a gross deletion of the genomic region encompassing exon(s) 23-25 of the PROM1 gene. While this deletion is not anticipated to lead to nonsense mediated decay, it is expected to disrupt the C-terminus of the protein. This variant has not been reported in the literature in individuals affected with PROM1-related conditions. Experimental studies and prediction algorithms are not available or were not evaluated, and the functional significance of this variant is currently unknown. In summary, the available evidence is currently insufficient to determine the role of this variant in disease. Therefore, it has been classified as a Variant of Uncertain Significance.